The following is an entry in ClinVar:

NM_004341.5(CAD):c.4786G>A (p.Val1596Met)

Gene: CAD (carbamoyl-phosphate synthetase 2, aspartate transcarbamylase, and dihydroorotase; plus strand). Cytogenetic location: 2p23.3.
Variant type: single nucleotide variant.
Coding change: c.4786G>A on transcript NM_004341.5 (MANE Select); coding-DNA position 4786, G replaced by A.
Protein change: p.Val1596Met; replaces valine 1596 with methionine.
Molecular consequence: missense variant.
Genome position (GRCh38, 1-based): chr2:27,238,113, G>A. VCF-style: chr2-27238113-G-A. GRCh37 (hg19) VCF-style: chr2-27460981-G-A.
Other names: c.4786G>A (NM_004341.3, NM_004341.4); c.4597G>A, p.Val1533Met (NM_001306079.2); short protein forms V1533M, V1596M.
Identifiers: ClinVar variation 1532655 (VCV001532655.37), dbSNP rs140521510, ClinGen allele CA1573661.
Genomic context (GRCh38, chr2:27,238,113, plus strand): 5'-CAGCATTTCGAGACATGGCCCTCCCACCTCCCCATTGTGGCTCACGCAGAGCAGCAAACC[G>A]TGGCTGCTGTCCTCATGGTGGCTCAGCTCACTCAGCGCTCAGTGCACATATGTCACGTGG-3'
Protein context (NP_004332.2, residues 1586-1606): PIVAHAEQQT[Val1596Met]AAVLMVAQLT

ClinVar aggregate classification (germline): Likely benign. Review status: criteria provided, multiple submitters, no conflicts (2 of 4 stars). 5 submissions from 5 submitters: Likely benign (4). 1 of the submissions does not count toward it. Last evaluated 2026-01-19.

Conditions:
Inborn genetic diseases. Identifiers: MedGen C0950123, MeSH D030342.
CAD-related disorder. Also called: CAD-related condition.

Allele frequency attached by ClinVar (database versions not stated): 1000 Genomes Project 30x 0.00016; 1000 Genomes Project 0.00020; ESP Exome Variant Server 0.00023; gnomAD 0.00030 and 0.00031; TOPMed 0.00068.
gnomAD v4.1: 348 of 1,614,166 alleles (0.022%); highest among the groups gnomAD compares: Middle Eastern, 0.15%; no homozygotes.

Submissions (5):

Labcorp Genetics (formerly Invitae), Labcorp
Classification: Likely benign. Last evaluated: 2026-01-19. Review status: criteria provided, single submitter. Criteria: Invitae Variant Classification Sherloc (09022015). Collection method: clinical testing. Allele origin: germline.

CeGaT Center for Human Genetics Tuebingen
Classification: Likely benign. Last evaluated: 2023-05-01. Review status: criteria provided, single submitter. Criteria: CeGaT Center For Human Genetics Tuebingen Variant Classification Criteria Version 2. Collection method: clinical testing. Allele origin: germline. Affected: yes. Observed: 2 variant alleles.
Comment: CAD: BP4

Ambry Genetics
Classification: Likely benign for Inborn genetic diseases. Last evaluated: 2022-05-03. Review status: criteria provided, single submitter. Criteria: Ambry Variant Classification Scheme 2023. Collection method: clinical testing. Allele origin: germline.

Breakthrough Genomics
Classification: Likely benign. Review status: criteria provided, single submitter. Criteria: ACMG Guidelines, 2015. Collection method: not provided. Allele origin: germline. Inheritance: Autosomal recessive inheritance. Affected: yes.

PreventionGenetics, part of Exact Sciences
Classification: Likely benign for CAD-related condition. Last evaluated: 2022-11-10. Review status: no assertion criteria provided. Collection method: clinical testing. Allele origin: germline. Not counted in ClinVar's aggregate classification.
Comment: This variant is classified as likely benign based on ACMG/AMP sequence variant interpretation guidelines (Richards et al. 2015 PMID: 25741868, with internal and published modifications).